The following is an entry in ClinVar:

NM_004168.4(SDHA):c.1087C>G (p.His363Asp)

Gene: SDHA (succinate dehydrogenase complex flavoprotein subunit A; plus strand). Cytogenetic location: 5p15.33.
Variant type: single nucleotide variant.
Coding change: c.1087C>G on transcript NM_004168.4 (MANE Select); coding-DNA position 1087, C replaced by G.
Protein change: p.His363Asp; replaces histidine 363 with aspartic acid.
Molecular consequence: missense variant.
Genome position (GRCh38, 1-based): chr5:235,166, C>G. VCF-style: chr5-235166-C-G. GRCh37 (hg19) VCF-style: chr5-235281-C-G.
Other names: c.1087C>G (NM_004168.2); c.943C>G, p.His315Asp (NM_001294332.2); c.1087C>G, p.His363Asp (NM_001330758.2); short protein forms H363D, H315D.
Identifiers: ClinVar variation 539627 (VCV000539627.10), dbSNP rs1553999417, ClinGen allele CA359013427.

ClinVar aggregate classification (germline): Uncertain significance. Review status: criteria provided, multiple submitters, no conflicts (2 of 4 stars). 2 submissions from 2 submitters: Uncertain significance (2). Last evaluated 2026-07-05.

Conditions:
Hereditary cancer-predisposing syndrome. Also called: Hereditary Cancer Syndrome; Tumor predisposition; Hereditary neoplastic syndrome; Neoplastic Syndromes, Hereditary. Identifiers: Orphanet 140162, MedGen C0027672, MeSH D009386, MONDO:0015356.
Mitochondrial complex II deficiency, nuclear type 1. Also called: SUCCINATE CoQ REDUCTASE DEFICIENCY. Identifiers: Orphanet 3208, MedGen C5700310, MONDO:0100294, OMIM 252011.
Pheochromocytoma/paraganglioma syndrome 5. Also called: SDHA-Related Hereditary Paraganglioma-Pheochromocytoma Syndrome; Paragangliomas 5. Identifiers: Orphanet 29072, MedGen C3279992, MONDO:0013602, OMIM 614165.

Submissions (2):

Ambry Genetics
Classification: Uncertain significance for Hereditary cancer-predisposing syndrome. Last evaluated: 2026-07-05. Review status: criteria provided, single submitter. Criteria: Ambry Variant Classification Scheme 2023. Collection method: clinical testing. Allele origin: germline.
Comment: The p.H363D variant (also known as c.1087C>G), located in coding exon 9 of the SDHA gene, results from a C to G substitution at nucleotide position 1087. The histidine at codon 363 is replaced by aspartic acid, an amino acid with similar properties. This amino acid position is conserved. In addition, this alteration is predicted to be deleterious by in silico analysis. Based on the available evidence, the clinical significance of this variant remains unclear.

Labcorp Genetics (formerly Invitae), Labcorp
Classification: Uncertain significance for Pheochromocytoma/paraganglioma syndrome 5; Mitochondrial complex II deficiency, nuclear type 1. Last evaluated: 2017-12-03. Review status: criteria provided, single submitter. Criteria: Invitae Variant Classification Sherloc (09022015). Collection method: clinical testing. Allele origin: germline.
Comment: In summary, the available evidence is currently insufficient to determine the role of this variant in disease. Therefore, it has been classified as a Variant of Uncertain Significance. Algorithms developed to predict the effect of missense changes on protein structure and function (SIFT, PolyPhen-2, Align-GVGD) all suggest that this variant is likely to be disruptive, but these predictions have not been confirmed by published functional studies and their clinical significance is uncertain. This variant has not been reported in the literature in individuals with SDHA-related disease. This variant is not present in population databases (ExAC no frequency). This sequence change replaces histidine with aspartic acid at codon 363 of the SDHA protein (p.His363Asp). The histidine residue is highly conserved and there is a moderate physicochemical difference between histidine and aspartic acid.